The following is an entry in ClinVar:

ClinVar aggregate classification (germline): Likely benign (0 of 4 stars; one submission).

Conditions:
PTPRQ-related disorder. Also called: PTPRQ-related condition.

gnomAD v4.1: 305 of 1,547,616 alleles (0.02%); highest among the groups gnomAD compares: South Asian, 0.33%; 2 homozygotes.

Submission:

PreventionGenetics, part of Exact Sciences
Classification: Likely benign for PTPRQ-related condition. Last evaluated: 2024-08-02. Review status: no assertion criteria provided. Collection method: clinical testing. Allele origin: germline.
Comment: This variant is classified as likely benign based on ACMG/AMP sequence variant interpretation guidelines (Richards et al. 2015 PMID: 25741868, with internal and published modifications).

NM_001145026.2(PTPRQ):c.1534C>T (p.Pro512Ser)

Gene: PTPRQ (protein tyrosine phosphatase receptor type Q; plus strand). Cytogenetic location: 12q21.31.
Variant type: single nucleotide variant.
Coding change: c.1534C>T on transcript NM_001145026.2 (MANE Select); coding-DNA position 1534, C replaced by T.
Protein change: p.Pro512Ser; replaces proline 512 with serine.
Molecular consequence: missense variant.
Genome position (GRCh38, 1-based): chr12:80,493,449, C>T. VCF-style: chr12-80493449-C-T. GRCh37 (hg19) VCF-style: chr12-80887228-C-T.
Other names: short protein forms P512S.
Identifiers: ClinVar variation 3345887 (VCV003345887.1).